The following is an entry in ClinVar:

ClinVar aggregate classification (germline): Uncertain significance (1 of 4 stars; one submission).

Allele frequency attached by ClinVar (database versions not stated): gnomAD exomes below 0.00001.
gnomAD v4.1: 1 of 1,612,396 alleles (0.000062%); highest among the groups gnomAD compares: Admixed American, 0.0017%; no homozygotes.

Submission:

Labcorp Genetics (formerly Invitae), Labcorp
Classification: Uncertain significance. Last evaluated: 2022-06-30. Review status: criteria provided, single submitter. Criteria: Invitae Variant Classification Sherloc (09022015). Collection method: clinical testing. Allele origin: germline.
Comment: This variant has not been reported in the literature in individuals affected with HMCN1-related conditions. This variant is not present in population databases (gnomAD no frequency). This sequence change replaces proline, which is neutral and non-polar, with alanine, which is neutral and non-polar, at codon 263 of the HMCN1 protein (p.Pro263Ala). Algorithms developed to predict the effect of missense changes on protein structure and function are either unavailable or do not agree on the potential impact of this missense change (SIFT: "Deleterious"; PolyPhen-2: "Probably Damaging"; Align-GVGD: "Class C0"). In summary, the available evidence is currently insufficient to determine the role of this variant in disease. Therefore, it has been classified as a Variant of Uncertain Significance.

NM_031935.3(HMCN1):c.787C>G (p.Pro263Ala)

Gene: HMCN1 (hemicentin 1; plus strand). Cytogenetic location: 1q31.1.
Variant type: single nucleotide variant.
Coding change: c.787C>G on transcript NM_031935.3 (MANE Select); coding-DNA position 787, C replaced by G.
Protein change: p.Pro263Ala; replaces proline 263 with alanine.
Molecular consequence: missense variant.
Genome position (GRCh38, 1-based): chr1:185,909,502, C>G. VCF-style: chr1-185909502-C-G. GRCh37 (hg19) VCF-style: chr1-185878634-C-G.
Other names: short protein forms P263A.
Identifiers: ClinVar variation 1976903 (VCV001976903.5), dbSNP rs1666295128, ClinGen allele CA343884147.
Genomic context (GRCh38, chr1:185,909,502, plus strand): 5'-AGCCTGAAAGAGGTCACTGTGTCTTTGAGTGGGCCTTCTCCAATGATTGAAATTCGCAAT[C>G]CTTTAGGTGAGATATATCAAACATCACATAATAAAATACAAAATACATAGAGGGTAAAAT-3'
Protein context (NP_114141.2, residues 253-273): GPSPMIEIRN[Pro263Ala]LGKLIKKGFG